The following is an entry in ClinVar:

ClinVar aggregate classification (germline): Uncertain significance (1 of 4 stars; one submission).

Conditions:
Cardiovascular phenotype. Identifiers: MedGen CN230736.

Submission:

Ambry Genetics
Classification: Uncertain significance for Cardiovascular phenotype. Last evaluated: 2020-08-25. Review status: criteria provided, single submitter. Criteria: Ambry Variant Classification Scheme 2023. Collection method: clinical testing. Allele origin: germline.
Comment: The p.Q1602* variant (also known as c.4804C>T), located in coding exon 18 of the AKAP9 gene, results from a C to T substitution at nucleotide position 4804. This changes the amino acid from a glutamine to a stop codon within coding exon 18. This alteration is expected to result in premature protein truncation or nonsense-mediated mRNA decay. However, loss of function of AKAP9 has not been clearly established as a mechanism of disease. Since supporting evidence is limited at this time, the clinical significance of this alteration remains unclear.

NM_005751.5(AKAP9):c.4804C>T (p.Gln1602Ter)

Gene: AKAP9 (A-kinase anchoring protein 9; plus strand). Cytogenetic location: 7q21.2.
Variant type: single nucleotide variant.
Coding change: c.4804C>T on transcript NM_005751.5 (MANE Select); coding-DNA position 4804, C replaced by T.
Protein change: p.Gln1602Ter; replaces glutamine 1602 with a stop codon.
Molecular consequence: nonsense.
Genome position (GRCh38, 1-based): chr7:92,040,785, C>T. VCF-style: chr7-92040785-C-T. GRCh37 (hg19) VCF-style: chr7-91670099-C-T.
Other names: c.4804C>T, p.Gln1602Ter (NM_147185.3); short protein forms Q1602*.
Identifiers: ClinVar variation 1743217 (VCV001743217.2), dbSNP rs1805967760, ClinGen allele CA368129613.